The following is an entry in ClinVar:

NM_005475.3(SH2B3):c.344T>C (p.Leu115Pro)

Gene: SH2B3 (SH2B adaptor protein 3; plus strand). Cytogenetic location: 12q24.12.
Variant type: single nucleotide variant.
Coding change: c.344T>C on transcript NM_005475.3 (MANE Select); coding-DNA position 344, T replaced by C.
Protein change: p.Leu115Pro; replaces leucine 115 with proline.
Molecular consequence: missense variant.
Genome position (GRCh38, 1-based): chr12:111,418,489, T>C. VCF-style: chr12-111418489-T-C. GRCh37 (hg19) VCF-style: chr12-111856293-T-C.
Other names: short protein forms L115P.
Identifiers: ClinVar variation 4163996 (VCV004163996.1).

ClinVar aggregate classification (germline): Uncertain significance (1 of 4 stars; one submission).

Conditions:
Inborn genetic diseases. Identifiers: MedGen C0950123, MeSH D030342.

Submission:

Ambry Genetics
Classification: Uncertain significance for Inborn genetic diseases. Last evaluated: 2025-08-20. Review status: criteria provided, single submitter. Criteria: Ambry Variant Classification Scheme 2023. Collection method: clinical testing. Allele origin: germline.
Comment: The p.L115P variant (also known as c.344T>C), located in coding exon 1 of the SH2B3 gene, results from a T to C substitution at nucleotide position 344. The leucine at codon 115 is replaced by proline, an amino acid with similar properties. This amino acid position is conserved. In addition, this alteration is predicted to be tolerated by in silico analysis. Based on the available evidence, the clinical significance of this variant remains unclear.